The following is an entry in ClinVar:

NM_006496.4(GNAI3):c.118+1G>C

Genes: GNAI3 (G protein subunit alpha i3; plus strand), LOC129931108 (ATAC-STARR-seq lymphoblastoid active region 1445; plus strand). Cytogenetic location: 1p13.3.
Variant type: single nucleotide variant.
Coding change: c.118+1G>C on transcript NM_006496.4 (MANE Select); the canonical splice donor site of the intron after coding-DNA position 118, G replaced by C.
Molecular consequence: splice donor variant.
Genome position (GRCh38, 1-based): chr1:109,548,839, G>C. VCF-style: chr1-109548839-G-C. GRCh37 (hg19) VCF-style: chr1-110091461-G-C.
Identifiers: ClinVar variation 1321638 (VCV001321638.2), dbSNP rs760663466, ClinGen allele CA341531070.

ClinVar aggregate classification (germline): Uncertain significance (1 of 4 stars; one submission).

Submission:

GeneDx
Classification: Uncertain significance. Last evaluated: 2021-05-10. Review status: criteria provided, single submitter. Criteria: GeneDx Variant Classification Process June 2021. Collection method: clinical testing. Allele origin: germline. Affected: yes.
Comment: Not observed at significant frequency in large population cohorts (Lek et al., 2016); Canonical splice site variant in a gene for which loss-of-function is not a known mechanism of disease; Has not been previously published as pathogenic or benign to our knowledge